The following is an entry in ClinVar:

ClinVar aggregate classification (germline): Uncertain significance (1 of 4 stars; one submission).

Conditions:
Osteogenesis imperfecta type 7 (OI7). Also called: OSTEOGENESIS IMPERFECTA, TYPE IIB; Osteogenesis imperfecta type 2B; OI type 2B; Osteogenesis imperfecta, perinatal lethal autosomal recessive; OI type IIB; OI type 7. Identifiers: MedGen C1853162, MONDO:0012536, OMIM 610682.

Allele frequency attached by ClinVar (database versions not stated): gnomAD exomes below 0.00001.
gnomAD v4.1: 2 of 1,503,120 alleles (0.00013%); highest among the groups gnomAD compares: East Asian, 0.0028%; no homozygotes.

Submission:

ARUP Laboratories, Molecular Genetics and Genomics, ARUP Laboratories
Classification: Uncertain significance for Osteogenesis imperfecta type 7. Last evaluated: 2021-05-12. Review status: criteria provided, single submitter. Criteria: ARUP Molecular Germline Variant Investigation Process 2021. Collection method: clinical testing. Allele origin: germline.
Comment: The CRTAP c.32T>C, p.Leu11Pro variant, to our knowledge, has not been reported in the medical literature or gene specific databases. This variant is also absent from general population databases (1000 Genomes Project, Exome Variant Server, and Genome Aggregation Database), indicating it is not a common polymorphism. The leucine at codon 11 is highly conserved, but computational analyses are uncertain whether this variant is neutral or deleterious (REVEL: 0.251). Based on the available information, the clinical significance of this variant is uncertain.

NM_006371.5(CRTAP):c.32T>C (p.Leu11Pro)

Genes: CRTAP (cartilage associated protein; plus strand), LOC129936436 (ATAC-STARR-seq lymphoblastoid silent region 14183; plus strand). Cytogenetic location: 3p22.3.
Variant type: single nucleotide variant.
Coding change: c.32T>C on transcript NM_006371.5 (MANE Select); coding-DNA position 32, T replaced by C.
Protein change: p.Leu11Pro; replaces leucine 11 with proline.
Molecular consequence: missense variant.
Genome position (GRCh38, 1-based): chr3:33,114,109, T>C. VCF-style: chr3-33114109-T-C. GRCh37 (hg19) VCF-style: chr3-33155601-T-C.
Other names: c.32T>C, p.Leu11Pro (NM_001393363.1, NM_001393364.1, NM_001393365.1); short protein forms L11P.
Identifiers: ClinVar variation 1330770 (VCV001330770.7), dbSNP rs1701307738, ClinGen allele CA352008026.
Genomic context (GRCh38, chr3:33,114,109, plus strand): 5'-CCCTTCCTTCCTTCCTTTCGCCGGGCGCGATGGAGCCGGGGCGCCGGGGGGCCGCGGCGC[T>C]GCTAGCGCTGCTGTGCGTGGCCTGCGCGCTGCGCGCCGGGCGCGCCCAATACGAACGCTA-3'
Protein context (NP_006362.1, residues 1-21): MEPGRRGAAA[Leu11Pro]LALLCVACAL